The following is an entry in ClinVar:

NM_006393.3(NEBL):c.1274T>C (p.Met425Thr)

Gene: NEBL (nebulette; minus strand). Cytogenetic location: 10p12.31.
Variant type: single nucleotide variant.
Coding change: c.1274T>C on transcript NM_006393.3 (MANE Select); coding-DNA position 1274, T replaced by C.
Protein change: p.Met425Thr; replaces methionine 425 with threonine.
Molecular consequence: missense variant. On other transcripts: intron variant (9).
Genome position (GRCh38, 1-based): chr10:20,840,803, A>G on the plus strand (T>C on the coding strand, the complement: NEBL is on the minus strand). VCF-style: chr10-20840803-A-G. GRCh37 (hg19) VCF-style: chr10-21129732-A-G.
Other names: c.250-27863T>C (NM_001377326.1, NM_001377327.1, NM_001377328.1); c.358-27863T>C (NM_213569.2, NM_001173484.2, NM_001377322.1); c.301-27863T>C (NM_001377324.1); c.292-27863T>C (NM_001377325.1); c.310-27863T>C (NM_001377323.1); short protein forms M425T.
Identifiers: ClinVar variation 1999136 (VCV001999136.4), dbSNP rs1248289076, ClinGen allele CA376099203.

ClinVar aggregate classification (germline): Uncertain significance (1 of 4 stars; one submission).

Conditions:
Primary dilated cardiomyopathy (DCM). Also called: Dilated Cardiomyopathy. Identifiers: Orphanet 217604, MedGen C0007193, MeSH D002311, MONDO:0005021, HP:0001644. Inheritance: Various modes of inheritance.

Submission:

Labcorp Genetics (formerly Invitae), Labcorp
Classification: Uncertain significance for Primary dilated cardiomyopathy. Last evaluated: 2022-05-26. Review status: criteria provided, single submitter. Criteria: Invitae Variant Classification Sherloc (09022015). Collection method: clinical testing. Allele origin: germline.
Comment: This sequence change replaces methionine, which is neutral and non-polar, with threonine, which is neutral and polar, at codon 425 of the NEBL protein (p.Met425Thr). This variant is not present in population databases (gnomAD no frequency). In summary, the available evidence is currently insufficient to determine the role of this variant in disease. Therefore, it has been classified as a Variant of Uncertain Significance. Algorithms developed to predict the effect of missense changes on protein structure and function are either unavailable or do not agree on the potential impact of this missense change (SIFT: "Deleterious"; PolyPhen-2: "Benign"; Align-GVGD: "Class C0"). This variant has not been reported in the literature in individuals affected with NEBL-related conditions.